The following is an entry in ClinVar:

NM_005204.4(MAP3K8):c.10A>C (p.Met4Leu)

Gene: MAP3K8 (mitogen-activated protein kinase kinase kinase 8; plus strand). Cytogenetic location: 10p11.23.
Variant type: single nucleotide variant.
Coding change: c.10A>C on transcript NM_005204.4 (MANE Select); coding-DNA position 10, A replaced by C.
Protein change: p.Met4Leu; replaces methionine 4 with leucine.
Molecular consequence: missense variant.
Genome position (GRCh38, 1-based): chr10:30,438,948, A>C. VCF-style: chr10-30438948-A-C. GRCh37 (hg19) VCF-style: chr10-30727877-A-C.
Other names: c.10A>C, p.Met4Leu (NM_001244134.1, NM_001320961.2); short protein forms M4L.
Identifiers: ClinVar variation 3615007 (VCV003615007.2).
Genomic context (GRCh38, chr10:30,438,948, plus strand): 5'-AACTAAATATTTGTGTTTTCTTTCCTAGACTCTCCAGAAAGAGCAACAGTAATGGAGTAC[A>C]TGAGCACTGGAAGTGACAATAAAGAAGAGATTGATTTATTAATTAAACATTTAAATGTGT-3'
Protein context (NP_005195.2, residues 1-14): MEY[Met4Leu]STGSDNKEEI

ClinVar aggregate classification (germline): Uncertain significance (1 of 4 stars; one submission).

gnomAD v4.1: 3 of 1,606,918 alleles (0.00019%); highest among the groups gnomAD compares: African/African-American, 0.004%; no homozygotes.

Submission:

Labcorp Genetics (formerly Invitae), Labcorp
Classification: Uncertain significance. Last evaluated: 2025-06-22. Review status: criteria provided, single submitter. Criteria: Invitae Variant Classification Sherloc (09022015). Collection method: clinical testing. Allele origin: germline.
Comment: This sequence change replaces methionine, which is neutral and non-polar, with leucine, which is neutral and non-polar, at codon 4 of the MAP3K8 protein (p.Met4Leu). This variant is not present in population databases (gnomAD no frequency). This variant has not been reported in the literature in individuals affected with MAP3K8-related conditions. ClinVar contains an entry for this variant (Variation ID: 3615007). An algorithm developed to predict the effect of missense changes on protein structure and function (PolyPhen-2) suggests that this variant is likely to be disruptive. In summary, the available evidence is currently insufficient to determine the role of this variant in disease. Therefore, it has been classified as a Variant of Uncertain Significance.